The following is an entry in ClinVar:

NM_000760.4(CSF3R):c.1014G>A (p.Leu338=)

Gene: CSF3R (colony stimulating factor 3 receptor; minus strand). Cytogenetic location: 1p34.3.
Variant type: single nucleotide variant.
Coding change: c.1014G>A on transcript NM_000760.4 (MANE Select); coding-DNA position 1014, G replaced by A.
Protein change: p.Leu338=; no amino-acid change (leucine 338 retained).
Molecular consequence: synonymous variant.
Genome position (GRCh38, 1-based): chr1:36,472,123, C>T on the plus strand (G>A on the coding strand, the complement: CSF3R is on the minus strand). VCF-style: chr1-36472123-C-T. GRCh37 (hg19) VCF-style: chr1-36937724-C-T.
Other names: c.1014G>A, p.Leu338= (NM_156039.3, NM_172313.3).
Identifiers: ClinVar variation 1338084 (VCV001338084.7), dbSNP rs147532578, ClinGen allele CA769302.

ClinVar aggregate classification (germline): Conflicting classifications of pathogenicity. Review status: criteria provided, conflicting classifications (1 of 4 stars). 3 submissions from 3 submitters: Uncertain significance (1); Likely benign (2). Last evaluated 2025-11-08.

Conditions:
Autosomal recessive severe congenital neutropenia due to CSF3R deficiency. Also called: Neutropenia, severe congenital, 7, autosomal recessive. Identifiers: Orphanet 420702, MedGen C4310764, MONDO:0014865, OMIM 617014.

Allele frequency attached by ClinVar (database versions not stated): TOPMed below 0.00001; ExAC 0.00001; gnomAD 0.00001; gnomAD exomes 0.00002; ESP Exome Variant Server 0.00008.
gnomAD v4.1: 25 of 1,613,764 alleles (0.0015%); highest among the groups gnomAD compares: Non-Finnish European, 0.0021%; no homozygotes.

Submissions (3):

Labcorp Genetics (formerly Invitae), Labcorp
Classification: Uncertain significance for Autosomal recessive severe congenital neutropenia due to CSF3R deficiency. Last evaluated: 2025-11-08. Review status: criteria provided, single submitter. Criteria: Invitae Variant Classification Sherloc (09022015). Collection method: clinical testing. Allele origin: germline.
Comment: This sequence change affects codon 338 of the CSF3R mRNA. It is a 'silent' change, meaning that it does not change the encoded amino acid sequence of the CSF3R protein. This variant is present in population databases (rs147532578, gnomAD 0.004%). This variant has not been reported in the literature in individuals affected with CSF3R-related conditions. ClinVar contains an entry for this variant (Variation ID: 1338084). Algorithms developed to predict the effect of sequence changes on RNA splicing suggest that this variant may disrupt the consensus splice site. In summary, the available evidence is currently insufficient to determine the role of this variant in disease. Therefore, it has been classified as a Variant of Uncertain Significance.

Blueprint Genetics
Classification: Likely benign. Last evaluated: 2023-11-21. Review status: criteria provided, single submitter. Criteria: ACMG Guidelines, 2015. Collection method: clinical testing. Allele origin: germline.

Genetic Services Laboratory, University of Chicago
Classification: Likely benign. Last evaluated: 2021-09-30. Review status: criteria provided, single submitter. Criteria: ACMG Guidelines, 2015. Collection method: clinical testing. Allele origin: germline. Affected: no.